The following is an entry in ClinVar:

ClinVar aggregate classification (germline): Pathogenic (1 of 4 stars; one submission).

Conditions:
Developmental and epileptic encephalopathy 94 (DEE94). Also called: CHD2-Related Neurodevelopmental Disorders; Epileptic encephalopathy, childhood-onset. Identifiers: Orphanet 1942, Orphanet 2382, MedGen C3809278, MONDO:0014150, OMIM 615369.

Submission:

Labcorp Genetics (formerly Invitae), Labcorp
Classification: Pathogenic for Developmental and epileptic encephalopathy 94. Last evaluated: 2020-03-07. Review status: criteria provided, single submitter. Criteria: Invitae Variant Classification Sherloc (09022015). Collection method: clinical testing. Allele origin: germline.
Comment: Loss-of-function variants in CHD2 are known to be pathogenic (PMID: 23708187, 24207121). For these reasons, this variant has been classified as Pathogenic. This variant has not been reported in the literature in individuals with CHD2-related conditions. ClinVar contains an entry for this variant (Variation ID: 474379). This variant is not present in population databases (ExAC no frequency). This sequence change creates a premature translational stop signal (p.Glu923Glyfs*42) in the CHD2 gene. It is expected to result in an absent or disrupted protein product.

Literature cited by the submitters: PubMed 23708187; PubMed 24207121.

NM_001271.4(CHD2):c.2765dup (p.Glu923fs)

Gene: CHD2 (chromodomain helicase DNA binding protein 2; plus strand). Cytogenetic location: 15q26.1.
Variant type: Duplication.
Coding change: c.2765dup on transcript NM_001271.4 (MANE Select); coding-DNA position 2765, one base duplicated (A; older notation c.2765dupA).
Protein change: p.Glu923fs; shifts the reading frame from glutamic acid 923.
Molecular consequence: frameshift variant.
Genome position (GRCh38, 1-based): chr15:92,979,172, A duplicated. VCF-style (leftmost placement, unchanged base first): chr15-92979171-G-GA. GRCh37 (hg19) VCF-style: chr15-93522401-G-GA.
Other names: c.2765dupA (NM_001271.3); short protein forms E923fs.
Identifiers: ClinVar variation 474379 (VCV000474379.7), dbSNP rs1555442886, ClinGen allele CA658658319.
Genomic context (GRCh38, chr15:92,979,171, plus strand): 5'-GCATAACAGTTCCTTTTCCTACAGGTAAATATTTACCGCTTAGTTACAAAGGGGACTGTG[G>GA]AGGAGGAGATCATAGAACGGGCCAAAAAGAAGATGGTATTAGATCATCTGGTGATTCAGC-3'